The following is an entry in ClinVar:

NM_017636.4(TRPM4):c.2145G>C (p.Glu715Asp)

Gene: TRPM4 (transient receptor potential cation channel subfamily M member 4; plus strand). Cytogenetic location: 19q13.33.
Variant type: single nucleotide variant.
Coding change: c.2145G>C on transcript NM_017636.4 (MANE Select); coding-DNA position 2145, G replaced by C.
Protein change: p.Glu715Asp; replaces glutamic acid 715 with aspartic acid.
Molecular consequence: missense variant.
Genome position (GRCh38, 1-based): chr19:49,190,708, G>C. VCF-style: chr19-49190708-G-C. GRCh37 (hg19) VCF-style: chr19-49693965-G-C.
Other names: c.1083G>C, p.Glu361Asp (NM_001321285.2); c.2145G>C, p.Glu715Asp (NM_001195227.2); c.1800G>C, p.Glu600Asp (NM_001321281.2); c.537G>C, p.Glu179Asp (NM_001321282.2); c.1623G>C, p.Glu541Asp (NM_001321283.2); short protein forms E541D, E715D, E179D, E361D, E600D.
Identifiers: ClinVar variation 1786645 (VCV001786645.2), dbSNP rs2514153348, ClinGen allele CA406805851.

ClinVar aggregate classification (germline): Uncertain significance (1 of 4 stars; one submission).

Conditions:
Cardiovascular phenotype. Identifiers: MedGen CN230736.

gnomAD v4.1: 1 of 1,614,158 alleles (0.000062%); highest among the groups gnomAD compares: Middle Eastern, 0.016%; no homozygotes.

Submission:

Ambry Genetics
Classification: Uncertain significance for Cardiovascular phenotype. Last evaluated: 2020-09-16. Review status: criteria provided, single submitter. Criteria: Ambry Variant Classification Scheme 2023. Collection method: clinical testing. Allele origin: germline.
Comment: The p.E715D variant (also known as c.2145G>C), located in coding exon 16 of the TRPM4 gene, results from a G to C substitution at nucleotide position 2145. The glutamic acid at codon 715 is replaced by aspartic acid, an amino acid with highly similar properties. This amino acid position is highly conserved in available vertebrate species. In addition, this alteration is predicted to be tolerated by in silico analysis. Since supporting evidence is limited at this time, the clinical significance of this alteration remains unclear.